The following is an entry in ClinVar:

ClinVar aggregate classification (germline): Uncertain significance (1 of 4 stars; one submission).

Conditions:
Inborn genetic diseases. Identifiers: MedGen C0950123, MeSH D030342.

Allele frequency attached by ClinVar (database versions not stated): TOPMed below 0.00001.

Submission:

Ambry Genetics
Classification: Uncertain significance for Inborn genetic diseases. Last evaluated: 2021-05-26. Review status: criteria provided, single submitter. Criteria: Ambry Variant Classification Scheme 2023. Collection method: clinical testing. Allele origin: germline.
Comment: The p.V375I variant (also known as c.1123G>A), located in coding exon 10 of the BSCL2 gene, results from a G to A substitution at nucleotide position 1123. The valine at codon 375 is replaced by isoleucine, an amino acid with highly similar properties. This amino acid position is poorly conserved in available vertebrate species. In addition, this alteration is predicted to be tolerated by in silico analysis. Since supporting evidence is limited at this time, the clinical significance of this alteration remains unclear.

NM_001122955.4(BSCL2):c.1315G>A (p.Val439Ile)

Genes: BSCL2 (BSCL2 lipid droplet biogenesis associated, seipin; minus strand), HNRNPUL2-BSCL2 (HNRNPUL2-BSCL2 readthrough (NMD candidate); minus strand). Cytogenetic location: 11q12.3.
Variant type: single nucleotide variant.
Coding change: c.1315G>A on transcript NM_001122955.4 (MANE Select); coding-DNA position 1315, G replaced by A.
Protein change: p.Val439Ile; replaces valine 439 with isoleucine.
Molecular consequence: missense variant. On other transcripts: non-coding transcript variant (1), 3 prime UTR variant (1).
Genome position (GRCh38, 1-based): chr11:62,690,441, C>T on the plus strand (G>A on the coding strand, the complement: BSCL2 is on the minus strand). VCF-style: chr11-62690441-C-T. GRCh37 (hg19) VCF-style: chr11-62457913-C-T.
Other names: c.*117G>A (NM_001130702.2); c.1321G>A, p.Val441Ile (NM_001386027.1); c.1315G>A, p.Val439Ile (NM_001386028.1); c.1123G>A, p.Val375Ile (NM_032667.6); short protein forms V375I, V439I, V441I.
Identifiers: ClinVar variation 1798464 (VCV001798464.2), dbSNP rs1945274424, ClinGen allele CA380954419.
Genomic context (GRCh38, chr11:62,690,441, plus strand): 5'-AGGTGGGGCGCTGTCGGAGAGCACCCCCAGCAGGTTCAGAGCTGCCCAGAGTCTCTAGGA[C>T]AGGGGCAGAAGCAGAAGCAGGAGCAGGAGCAGGCAGGTTGGCCTCCGTCAGCAAAGCTGC-3'
Protein context (NP_001116427.1, residues 429-449): APAPASASAP[Val439Ile]LETLGSSEPA